The following is an entry in ClinVar:

NM_015102.5(NPHP4):c.2433C>T (p.Ile811=)

Gene: NPHP4 (nephrocystin 4; minus strand). Cytogenetic location: 1p36.31.
Variant type: single nucleotide variant.
Coding change: c.2433C>T on transcript NM_015102.5 (MANE Select); coding-DNA position 2433, C replaced by T.
Protein change: p.Ile811=; no amino-acid change (isoleucine 811 retained).
Molecular consequence: synonymous variant. On other transcripts: non-coding transcript variant (1).
Genome position (GRCh38, 1-based): chr1:5,887,338, G>A on the plus strand (C>T on the coding strand, the complement: NPHP4 is on the minus strand). VCF-style: chr1-5887338-G-A. GRCh37 (hg19) VCF-style: chr1-5947398-G-A.
Other names: c.894C>T, p.Ile298= (NM_001291593.2); c.897C>T, p.Ile299= (NM_001291594.2); c.2433C>T (NM_015102.4).
Identifiers: ClinVar variation 596621 (VCV000596621.14), dbSNP rs779482394, ClinGen allele CA554123.

ClinVar aggregate classification (germline): Conflicting classifications of pathogenicity. Review status: criteria provided, conflicting classifications (1 of 4 stars). 4 submissions from 4 submitters: Uncertain significance (1); Likely benign (3). Last evaluated 2026-05-14.

Conditions:
NPHP4-related disorder. Also called: NPHP4-related condition; NPHP4-related disorders. Identifiers: MedGen CN239384.
Nephronophthisis. Also called: Juvenile Nephronophthisis. Identifiers: Orphanet 655, MedGen C0687120, MONDO:0019005, HP:0000090.

Allele frequency attached by ClinVar (database versions not stated): gnomAD exomes 0.00002; ExAC 0.00003; gnomAD 0.00001; TOPMed 0.00001.
gnomAD v4.1: 27 of 1,613,452 alleles (0.0017%); highest among the groups gnomAD compares: Middle Eastern, 0.033%; no homozygotes.

Submissions (4):

PreventionGenetics, part of Exact Sciences
Classification: Likely benign for NPHP4-related condition. Last evaluated: 2026-05-14. Review status: criteria provided, single submitter. Criteria: ACMG Guidelines, 2015. Collection method: clinical testing. Allele origin: germline.
Comment: This variant is classified as likely benign based on ACMG/AMP sequence variant interpretation guidelines (Richards et al. 2015 PMID: 25741868, with internal and published modifications).

Labcorp Genetics (formerly Invitae), Labcorp
Classification: Likely benign for Nephronophthisis. Last evaluated: 2025-07-27. Review status: criteria provided, single submitter. Criteria: Invitae Variant Classification Sherloc (09022015). Collection method: clinical testing. Allele origin: germline.

Blueprint Genetics
Classification: Likely benign. Last evaluated: 2024-08-01. Review status: criteria provided, single submitter. Criteria: ACMG Guidelines, 2015. Collection method: clinical testing. Allele origin: germline.

Eurofins Ntd Llc (ga)
Classification: Uncertain significance. Last evaluated: 2018-03-23. Review status: criteria provided, single submitter. Criteria: EGL ClinVar v180209 classification definitions. Collection method: clinical testing. Allele origin: germline. Observed: 1 variant allele, 1 heterozygote.